The following is an entry in ClinVar:

ClinVar aggregate classification (germline): Uncertain significance. Review status: criteria provided, multiple submitters, no conflicts (2 of 4 stars). 3 submissions from 3 submitters: Uncertain significance (2). 1 of the submissions does not count toward it. Last evaluated 2024-11-05.

Conditions:
Glycogen storage disease, type II (IOPD). Also called: Glucosidase acid-1,4-alpha deficiency; GLYCOGENOSIS, GENERALIZED, CARDIAC FORM; GSD II; CARDIOMEGALIA GLYCOGENICA DIFFUSA; Pompe Disease; POMPE DISEASE, INFANTILE-ONSET. Identifiers: Orphanet 365, MedGen C0017921, MONDO:0009290, OMIM 232300.

Allele frequency attached by ClinVar (database versions not stated): gnomAD exomes below 0.00001 and 0.00001.
gnomAD v4.1: 2 of 1,610,756 alleles (0.00012%); no homozygotes.

Submissions (3):

Labcorp Genetics (formerly Invitae), Labcorp
Classification: Uncertain significance for Glycogen storage disease, type II. Last evaluated: 2024-11-05. Review status: criteria provided, single submitter. Criteria: Invitae Variant Classification Sherloc (09022015). Collection method: clinical testing. Allele origin: germline.
Comment: This sequence change replaces glutamine, which is neutral and polar, with histidine, which is basic and polar, at codon 663 of the GAA protein (p.Gln663His). The frequency data for this variant in the population databases is considered unreliable, as metrics indicate poor data quality at this position in the gnomAD database. This variant has not been reported in the literature in individuals affected with GAA-related conditions. ClinVar contains an entry for this variant (Variation ID: 945545). Invitae Evidence Modeling of protein sequence and biophysical properties (such as structural, functional, and spatial information, amino acid conservation, physicochemical variation, residue mobility, and thermodynamic stability) indicates that this missense variant is expected to disrupt GAA protein function with a positive predictive value of 95%. In summary, the available evidence is currently insufficient to determine the role of this variant in disease. Therefore, it has been classified as a Variant of Uncertain Significance.

Department of Pathology and Laboratory Medicine, Sinai Health System
Classification: Uncertain significance for Glycogen storage disease, type II. Last evaluated: 2023-05-03. Review status: criteria provided, single submitter. Criteria: ACMG Guidelines, 2015. Collection method: research. Allele origin: germline.

Natera, Inc.
Classification: Uncertain significance for Glycogen storage disease type II. Last evaluated: 2021-04-13. Review status: no assertion criteria provided. Collection method: clinical testing. Allele origin: germline. Not counted in ClinVar's aggregate classification.

NM_000152.5(GAA):c.1989G>T (p.Gln663His)

Gene: GAA (alpha glucosidase; plus strand). Cytogenetic location: 17q25.3.
Variant type: single nucleotide variant.
Coding change: c.1989G>T on transcript NM_000152.5 (MANE Select); coding-DNA position 1989, G replaced by T.
Protein change: p.Gln663His; replaces glutamine 663 with histidine.
Molecular consequence: missense variant.
Genome position (GRCh38, 1-based): chr17:80,112,976, G>T. VCF-style: chr17-80112976-G-T. GRCh37 (hg19) VCF-style: chr17-78086775-G-T.
Other names: c.1989G>T, p.Gln663His (NM_001079803.3, NM_001079804.3); short protein forms Q663H.
Identifiers: ClinVar variation 945545 (VCV000945545.11), dbSNP rs1189531783, ClinGen allele CA401370023.
Genomic context (GRCh38, chr17:80,112,976, plus strand): 5'-GGCCGACGTCTGCGGCTTCCTGGGCAACACCTCAGAGGAGCTGTGTGTGCGCTGGACCCA[G>T]CTGGGGGCCTTCTACCCCTTCATGCGGAACCACAACAGCCTGCTCAGTCTGGTAGGGTGG-3'
Protein context (NP_000143.2, residues 653-673): TSEELCVRWT[Gln663His]LGAFYPFMRN